The following is an entry in ClinVar:

ClinVar aggregate classification (germline): Pathogenic/Likely pathogenic. Review status: criteria provided, multiple submitters, no conflicts (2 of 4 stars). 3 submissions from 3 submitters: Pathogenic (1); Likely pathogenic (2). Last evaluated 2026-03-10.

Conditions:
Early-infantile DEE. Also called: Early infantile epileptic encephalopathy; Ohtahara syndrome; Early infantile epileptic encephalopathy with suppression bursts. Identifiers: Orphanet 1934, MedGen C0393706, MONDO:0800491.
Cognitive impairment with or without cerebellar ataxia (CIAT). Identifiers: MedGen C3280415, MONDO:0013680, OMIM 614306.

Submissions (3):

GeneDx
Classification: Pathogenic. Last evaluated: 2026-03-10. Review status: criteria provided, single submitter. Criteria: GeneDx Variant Classification Process June 2021. Collection method: clinical testing. Allele origin: germline.
Comment: In silico analysis supports that this missense variant has a deleterious effect on protein structure/function; Not observed at significant frequency in large population cohorts (gnomAD); This variant is associated with the following publications: (PMID: 32090326, 32920374, 26029160, 38845412, 41416966, 30968951)

Labcorp Genetics (formerly Invitae), Labcorp
Classification: Likely pathogenic for Early-infantile DEE. Last evaluated: 2025-03-27. Review status: criteria provided, single submitter. Criteria: Invitae Variant Classification Sherloc (09022015). Collection method: clinical testing. Allele origin: germline.
Comment: This sequence change replaces isoleucine, which is neutral and non-polar, with threonine, which is neutral and polar, at codon 1464 of the SCN8A protein (p.Ile1464Thr). This variant is not present in population databases (gnomAD no frequency). This missense change has been observed in individuals with clinical features of SCN8A-related conditions (PMID: 30968951; internal data). ClinVar contains an entry for this variant (Variation ID: 1285578). Invitae Evidence Modeling of protein sequence and biophysical properties (such as structural, functional, and spatial information, amino acid conservation, physicochemical variation, residue mobility, and thermodynamic stability) indicates that this missense variant is expected to disrupt SCN8A protein function with a positive predictive value of 95%. In summary, the currently available evidence indicates that the variant is pathogenic, but additional data are needed to prove that conclusively. Therefore, this variant has been classified as Likely Pathogenic.

Institute of Human Genetics, University of Leipzig Medical Center
Classification: Likely pathogenic for Cognitive impairment with or without cerebellar ataxia. Last evaluated: 2020-09-17. Review status: criteria provided, single submitter. Criteria: ACMG Guidelines, 2015. Collection method: clinical testing. Allele origin: germline. Affected: yes.

Literature cited by the submitters: PubMed 30968951 (cited by Labcorp Genetics (formerly Invitae), Labcorp).

NM_001330260.2(SCN8A):c.4391T>C (p.Ile1464Thr)

Gene: SCN8A (sodium voltage-gated channel alpha subunit 8; plus strand). Cytogenetic location: 12q13.13.
Variant type: single nucleotide variant.
Coding change: c.4391T>C on transcript NM_001330260.2 (MANE Select); coding-DNA position 4391, T replaced by C.
Protein change: p.Ile1464Thr; replaces isoleucine 1464 with threonine.
Molecular consequence: missense variant.
Genome position (GRCh38, 1-based): chr12:51,789,390, T>C. VCF-style: chr12-51789390-T-C. GRCh37 (hg19) VCF-style: chr12-52183174-T-C.
Other names: c.4268T>C, p.Ile1423Thr (NM_001177984.3, NM_001369788.1); c.4391T>C, p.Ile1464Thr (NM_014191.4); short protein forms I1423T, I1464T.
Identifiers: ClinVar variation 1285578 (VCV001285578.12), dbSNP rs2138909658, ClinGen allele CA384908556.